The following is an entry in ClinVar:

NM_000202.8(IDS):c.1312del (p.Leu438fs)

Gene: IDS (iduronate 2-sulfatase; minus strand). Cytogenetic location: Xq28.
Variant type: Deletion.
Coding change: c.1312del on transcript NM_000202.8 (MANE Select); coding-DNA position 1312, one base deleted (C; older notation c.1312delC).
Protein change: p.Leu438fs; shifts the reading frame from leucine 438.
Molecular consequence: frameshift variant.
Genome position (GRCh38, 1-based): chrX:149,483,087, G deleted on the plus strand (C on the coding strand, the reverse complement: IDS is on the minus strand); the first of 2 consecutive G bases (chrX:149,483,087-149,483,088); deleting either gives the same sequence. VCF-style (leftmost placement, unchanged base first): chrX-149483086-AG-A. GRCh37 (hg19) VCF-style: chrX-148564617-AG-A.
Other names: c.1042del, p.Leu348fs (NM_001166550.4); short protein forms L348fs, L438fs.
Identifiers: ClinVar variation 3256025 (VCV003256025.2).

ClinVar aggregate classification (germline): Pathogenic (1 of 4 stars; one submission).

Conditions:
Mucopolysaccharidosis, MPS-II (MPS2). Also called: Hunter Syndrome; IDURONATE 2-SULFATASE DEFICIENCY; Mucopolysaccharidosis Type II; Mucopolysaccharidosis type 2; Attenuated MPS (subtype; formerly known as mild MPS II); Severe MPS II. Identifiers: Orphanet 580, Orphanet 79388, MedGen C0026705, MONDO:0010674, OMIM 309900.

Submission:

Laboratory of Diagnosis and Therapy of Lysosomal Disorders, University of Padova
Classification: Pathogenic for Mucopolysaccharidosis, MPS-II. Last evaluated: 2024-06-07. Review status: criteria provided, single submitter. Criteria: ACMG Guidelines, 2015. Collection method: literature only. Allele origin: germline. Affected: yes. Observed: 3 variant alleles.
Comment: Null variant (PVS1_Strong), Absent from controls (or at low frequency) in gnomAD database (PM2_Moderate), Patient’s phenotype or family history highly specific for the disease (PP4_Strong)

Classification method: ACMG Guidelines [PMID:25741868] with modifications

Literature cited by the submitters: PubMed 1303211; PubMed 8281149; PubMed 8111411; PubMed 7887413.